The following is an entry in ClinVar:

ClinVar aggregate classification (germline): Uncertain significance (1 of 4 stars; one submission).

Conditions:
Charcot-Marie-Tooth disease type 2. Also called: Charcot-Marie-Tooth type 2. Identifiers: Orphanet 64746, MedGen C0270914, MONDO:0018993.

Submission:

Labcorp Genetics (formerly Invitae), Labcorp
Classification: Uncertain significance for Charcot-Marie-Tooth disease type 2. Last evaluated: 2023-06-14. Review status: criteria provided, single submitter. Criteria: Invitae Variant Classification Sherloc (09022015). Collection method: clinical testing. Allele origin: germline.
Comment: In summary, the available evidence is currently insufficient to determine the role of this variant in disease. Therefore, it has been classified as a Variant of Uncertain Significance. Advanced modeling of protein sequence and biophysical properties (such as structural, functional, and spatial information, amino acid conservation, physicochemical variation, residue mobility, and thermodynamic stability) performed at Invitae indicates that this missense variant is not expected to disrupt AARS protein function. This sequence change replaces lysine, which is basic and polar, with threonine, which is neutral and polar, at codon 513 of the AARS protein (p.Lys513Thr). This variant is not present in population databases (gnomAD no frequency). This variant has not been reported in the literature in individuals affected with AARS-related conditions. ClinVar contains an entry for this variant (Variation ID: 1682212).

NM_001605.3(AARS1):c.1538A>C (p.Lys513Thr)

Gene: AARS1 (alanyl-tRNA synthetase 1; minus strand). Cytogenetic location: 16q22.1.
Variant type: single nucleotide variant.
Coding change: c.1538A>C on transcript NM_001605.3 (MANE Select); coding-DNA position 1538, A replaced by C.
Protein change: p.Lys513Thr; replaces lysine 513 with threonine.
Molecular consequence: missense variant.
Genome position (GRCh38, 1-based): chr16:70,262,479, T>G on the plus strand (A>C on the coding strand, the complement: AARS1 is on the minus strand). VCF-style: chr16-70262479-T-G. GRCh37 (hg19) VCF-style: chr16-70296382-T-G.
Other names: short protein forms K513T.
Identifiers: ClinVar variation 1682212 (VCV001682212.8), dbSNP rs2152156683, ClinGen allele CA396560271.